The following is an entry in ClinVar:

NM_017534.6(MYH2):c.5780G>A (p.Arg1927Gln)

Genes: MYH2 (myosin heavy chain 2; minus strand), MYHAS (myosin heavy chain gene cluster antisense RNA; plus strand). Cytogenetic location: 17p13.1.
Variant type: single nucleotide variant.
Coding change: c.5780G>A on transcript NM_017534.6 (MANE Select); coding-DNA position 5780, G replaced by A.
Protein change: p.Arg1927Gln; replaces arginine 1927 with glutamine.
Molecular consequence: missense variant.
Genome position (GRCh38, 1-based): chr17:10,521,326, C>T on the plus strand (G>A on the coding strand, the complement: MYH2 is on the minus strand). VCF-style: chr17-10521326-C-T. GRCh37 (hg19) VCF-style: chr17-10424643-C-T.
Other names: c.5780G>A, p.Arg1927Gln (NM_001100112.2); short protein forms R1927Q.
Identifiers: ClinVar variation 197420 (VCV000197420.70), dbSNP rs34161789, ClinGen allele CA202886.
Genomic context (GRCh38, chr17:10,521,326, plus strand): 5'-GCATCAGGACATGATCACTCTTCACTTATGACTTTTGTGTGAACCTCCCGGCTCTTCACC[C>T]GCAGTTTGTTCACCTGGGACTCAGCAATGTCAGCCCGTTCCTCGGCCTCCTCCAGCTCAT-3'
Protein context (NP_060004.3, residues 1917-1937): DIAESQVNKL[Arg1927Gln]VKSREVHTKV

ClinVar aggregate classification (germline): Benign/Likely benign. Review status: criteria provided, multiple submitters, no conflicts (2 of 4 stars). 8 submissions from 8 submitters: Benign (3); Likely benign (4). 1 of the submissions does not count toward it. Last evaluated 2026-04-01.

Conditions:
MYH2-related disorder. Also called: MYH2-related condition.
Myopathy, proximal, and ophthalmoplegia (CMYO6). Also called: MYOPATHY WITH CONGENITAL JOINT CONTRACTURES, OPHTHALMOPLEGIA, AND RIMMED VACUOLES; INCLUSION BODY MYOPATHY 3, AUTOSOMAL DOMINANT; CONGENITAL MYOPATHY 6 WITH OPHTHALMOPLEGIA. Identifiers: Orphanet 363677, Orphanet 79091, MedGen C1854106, MONDO:0011577, OMIM 605637.

Allele frequency attached by ClinVar (database versions not stated): 1000 Genomes Project 30x 0.00390; gnomAD exomes 0.00410 and 0.00647; ExAC 0.00415; 1000 Genomes Project 0.00419; gnomAD 0.00419 and 0.00444; TOPMed 0.00466; ESP Exome Variant Server 0.00538.
gnomAD v4.1: 10,100 of 1,614,124 alleles (0.63%); highest among the groups gnomAD compares: Non-Finnish European, 0.75%; 52 homozygotes.

Submissions (8):

CeGaT Center for Human Genetics Tuebingen
Classification: Likely benign. Last evaluated: 2026-04-01. Review status: criteria provided, single submitter. Criteria: CeGaT Center For Human Genetics Tuebingen Variant Classification Criteria Version 2. Collection method: clinical testing. Allele origin: germline. Affected: yes. Observed: 17 variant alleles.
Comment: MYH2: BS2

Labcorp Genetics (formerly Invitae), Labcorp
Classification: Benign for Myopathy, proximal, and ophthalmoplegia. Last evaluated: 2026-02-01. Review status: criteria provided, single submitter. Criteria: Invitae Variant Classification Sherloc (09022015). Collection method: clinical testing. Allele origin: germline.

GeneDx
Classification: Likely benign. Last evaluated: 2020-10-23. Review status: criteria provided, single submitter. Criteria: GeneDx Variant Classification Process June 2021. Collection method: clinical testing. Allele origin: germline. Affected: yes.
Comment: This variant is associated with the following publications: (PMID: 15741996)

Genetic Services Laboratory, University of Chicago
Classification: Likely benign. Last evaluated: 2020-08-07. Review status: criteria provided, single submitter. Criteria: ACMG Guidelines, 2015. Collection method: clinical testing. Allele origin: germline. Affected: no.

Mayo Clinic Laboratories, Mayo Clinic
Classification: Benign. Last evaluated: 2018-05-25. Review status: criteria provided, single submitter. Criteria: ACMG Guidelines, 2015. Collection method: clinical testing. Allele origin: germline. Observed: 6 variant alleles.

Center for Pediatric Genomic Medicine, Children's Mercy Hospital and Clinics
Classification: Likely benign. Last evaluated: 2016-11-07. Review status: criteria provided, single submitter. Criteria: ACMG Guidelines, 2015. Collection method: clinical testing. Allele origin: germline.
ClinVar note: Converted during submission from Likely Benign to Likely benign.

Eurofins Ntd Llc (ga)
Classification: Benign. Last evaluated: 2014-11-15. Review status: criteria provided, single submitter. Criteria: EGL Classification Definitions 2015. Collection method: clinical testing. Allele origin: germline. Observed: 3 variant alleles, 3 heterozygotes.

PreventionGenetics, part of Exact Sciences
Classification: Benign for MYH2-related condition. Last evaluated: 2019-04-09. Review status: no assertion criteria provided. Collection method: clinical testing. Allele origin: germline. Not counted in ClinVar's aggregate classification.
Comment: This variant is classified as benign based on ACMG/AMP sequence variant interpretation guidelines (Richards et al. 2015 PMID: 25741868, with internal and published modifications).